The following is an entry in ClinVar:

ClinVar aggregate classification (germline): Uncertain significance. Review status: criteria provided, multiple submitters, no conflicts (2 of 4 stars). 2 submissions from 2 submitters: Uncertain significance (2). Last evaluated 2025-09-14.

Submissions (2):

Labcorp Genetics (formerly Invitae), Labcorp
Classification: Uncertain significance. Last evaluated: 2025-09-14. Review status: criteria provided, single submitter. Criteria: Invitae Variant Classification Sherloc (09022015). Collection method: clinical testing. Allele origin: germline.
Comment: This sequence change falls in intron 7 of the REN gene. It does not directly change the encoded amino acid sequence of the REN protein. This variant is not present in population databases (gnomAD no frequency). This variant has not been reported in the literature in individuals affected with REN-related conditions. In summary, the available evidence is currently insufficient to determine the role of this variant in disease. Therefore, it has been classified as a Variant of Uncertain Significance.

Breakthrough Genomics
Classification: Uncertain significance. Review status: criteria provided, single submitter. Criteria: ACMG Guidelines, 2015. Collection method: not provided. Allele origin: germline. Inheritance: Autosomal recessive inheritance. Affected: yes.

NM_000537.4(REN):c.819-45TCTG[12]

Gene: REN (renin; minus strand). Cytogenetic location: 1q32.1.
Variant type: Microsatellite.
Coding change: c.819-45TCTG[12] on transcript NM_000537.4 (MANE Select); 12 copies in a row of the 4-base unit TCTG starting at c.819-45; the reference has seven copies in a row; five copies, 20 bases duplicated.
Molecular consequence: intron variant.
Genome position (GRCh38, 1-based): chr1:204,156,337-204,156,356, CAGACAGACAGACAGACAGA duplicated on the plus strand (TCTGTCTGTCTGTCTGTCTG on the coding strand, the reverse complement: REN is on the minus strand); duplicating any 20 consecutive bases within chr1:204,156,337-204,156,364 gives the same sequence; the position shown is the placement nearest the transcript's 3' end. VCF-style (leftmost placement, unchanged base first): chr1-204156336-T-TCAGACAGACAGACAGACAGA. GRCh37 (hg19) VCF-style: chr1-204125464-T-TCAGACAGACAGACAGACAGA.
Identifiers: ClinVar variation 2958733 (VCV002958733.4), dbSNP rs3839003, ClinGen allele CA730336762.